The following is an entry in ClinVar:

ClinVar aggregate classification (germline): Uncertain significance. Review status: criteria provided, multiple submitters, no conflicts (2 of 4 stars). 7 submissions from 6 submitters: Uncertain significance (7). Last evaluated 2025-05-08.

Conditions:
Inborn genetic diseases. Identifiers: MedGen C0950123, MeSH D030342.
Short-rib thoracic dysplasia 7 with or without polydactyly (SRTD7). Also called: Short rib polydactyly syndrome 5; SHORT-RIB THORACIC DYSPLASIA 7 WITH POLYDACTYLY. Identifiers: Orphanet 498497, Orphanet 93271, MedGen C3279792, MONDO:0013569, OMIM 614091.
Cranioectodermal dysplasia 2 (CED2). Identifiers: Orphanet 1515, MedGen C3150874, MONDO:0013323, OMIM 613610.

Allele frequency attached by ClinVar (database versions not stated): ESP Exome Variant Server 0.00015; gnomAD 0.00017 and 0.00019; gnomAD exomes 0.00018 and 0.00032; ExAC 0.00029; TOPMed 0.00029; 1000 Genomes Project 0.00040; 1000 Genomes Project 30x 0.00062.
gnomAD v4.1: 290 of 1,613,932 alleles (0.018%); highest among the groups gnomAD compares: Admixed American, 0.14%; 1 homozygote.

Submissions (7):

ARUP Laboratories, Molecular Genetics and Genomics, ARUP Laboratories
Classification: Uncertain significance. Last evaluated: 2025-05-08. Review status: criteria provided, single submitter. Criteria: ARUP Molecular Germline Variant Investigation Process 2024. Collection method: clinical testing. Allele origin: germline.
Comment: The WDR35 c.2098C>T; p.Arg700Cys variant (rs140196566), to our knowledge, is not reported in the medical literature but is reported in ClinVar (Variation ID: 333387). This variant is found in the general population with an overall allele frequency of 0.03% (87/281,556 alleles, including 1 homozygotes) in the Genome Aggregation Database (v2.1.1). Computational analyses predict that this variant is deleterious (REVEL: 0.845). Due to limited information, the clinical significance of this variant is uncertain at this time.

Fulgent Genetics
Classification: Uncertain significance for Cranioectodermal dysplasia 2; Short-rib thoracic dysplasia 7 with or without polydactyly. Last evaluated: 2024-03-10. Review status: criteria provided, single submitter. Criteria: ACMG Guidelines, 2015. Collection method: clinical testing. Allele origin: germline.

Ambry Genetics
Classification: Uncertain significance for Inborn genetic diseases. Last evaluated: 2023-12-16. Review status: criteria provided, single submitter. Criteria: Ambry Variant Classification Scheme 2023. Collection method: clinical testing. Allele origin: germline.

Labcorp Genetics (formerly Invitae), Labcorp
Classification: Uncertain significance for Cranioectodermal dysplasia 2; Short-rib thoracic dysplasia 7 with or without polydactyly. Last evaluated: 2022-07-05. Review status: criteria provided, single submitter. Criteria: Invitae Variant Classification Sherloc (09022015). Collection method: clinical testing. Allele origin: germline.
Comment: This sequence change replaces arginine, which is basic and polar, with cysteine, which is neutral and slightly polar, at codon 700 of the WDR35 protein (p.Arg700Cys). This variant is present in population databases (rs140196566, gnomAD 0.1%), including at least one homozygous and/or hemizygous individual. This variant has not been reported in the literature in individuals affected with WDR35-related conditions. ClinVar contains an entry for this variant (Variation ID: 333387). Algorithms developed to predict the effect of missense changes on protein structure and function are either unavailable or do not agree on the potential impact of this missense change (SIFT: "Deleterious"; PolyPhen-2: "Possibly Damaging"; Align-GVGD: "Class C15"). Algorithms developed to predict the effect of sequence changes on RNA splicing suggest that this variant may create or strengthen a splice site. In summary, the available evidence is currently insufficient to determine the role of this variant in disease. Therefore, it has been classified as a Variant of Uncertain Significance.

Illumina Laboratory Services, Illumina
Classification: Uncertain significance for Cranioectodermal dysplasia 2. Last evaluated: 2018-01-13. Review status: criteria provided, single submitter. Criteria: ICSL Variant Classification Criteria 13 December 2019. Collection method: clinical testing. Allele origin: germline.

Illumina Laboratory Services, Illumina
Classification: Uncertain significance for Short-rib thoracic dysplasia 7 with or without polydactyly. Last evaluated: 2018-01-13. Review status: criteria provided, single submitter. Criteria: ICSL Variant Classification Criteria 13 December 2019. Collection method: clinical testing. Allele origin: germline.

Breakthrough Genomics
Classification: Uncertain significance. Review status: criteria provided, single submitter. Criteria: ACMG Guidelines, 2015. Collection method: not provided. Allele origin: germline. Inheritance: Autosomal recessive inheritance. Affected: yes.

NM_020779.4(WDR35):c.2065C>T (p.Arg689Cys)

Gene: WDR35 (WD repeat domain 35; minus strand). Cytogenetic location: 2p24.1.
Variant type: single nucleotide variant.
Coding change: c.2065C>T on transcript NM_020779.4 (MANE Select); coding-DNA position 2065, C replaced by T.
Protein change: p.Arg689Cys; replaces arginine 689 with cysteine.
Molecular consequence: missense variant.
Genome position (GRCh38, 1-based): chr2:19,937,945, G>A on the plus strand (C>T on the coding strand, the complement: WDR35 is on the minus strand). VCF-style: chr2-19937945-G-A. GRCh37 (hg19) VCF-style: chr2-20137706-G-A.
Other names: c.2098C>T, p.Arg700Cys (NM_001006657.2); short protein forms R700C, R689C.
Identifiers: ClinVar variation 333387 (VCV000333387.11), dbSNP rs140196566, ClinGen allele CA1543041.